The following is an entry in ClinVar:

ClinVar aggregate classification (germline): Uncertain significance (1 of 4 stars; one submission).

Conditions:
Glycogen storage disease, type II (IOPD). Also called: Pompe Disease; CARDIOMEGALIA GLYCOGENICA DIFFUSA; GLYCOGENOSIS, GENERALIZED, CARDIAC FORM; GSD II; POMPE DISEASE, INFANTILE-ONSET; GLYCOGEN STORAGE DISEASE II, INFANTILE-ONSET. Identifiers: Orphanet 365, MedGen C0017921, MONDO:0009290, OMIM 232300.

Submission:

Genomenon, Inc
Classification: Uncertain significance for Glycogen storage disease, type II. Last evaluated: 2026-07-01. Review status: criteria provided, single submitter. Criteria: Genomenon Sequence Variant Interpretation Standards - Updated. Collection method: curation. Allele origin: germline. Affected: yes.
Comment: GAA p.Phe35Ser (c.104T>C) is a missense variant that changes the amino acid at codon 35 from Phenylalanine to Serine. This variant has been observed in at least one proband with a GAA-related disorder in the compound heterozygous and/or homozygous state (PMID:25626711). It is absent or not present at a significant frequency in gnomAD. In silico models predict that this variant is possibly or probably damaging. In conclusion, we classify GAA p.Phe35Ser (c.104T>C) as a variant of uncertain significance.

Literature cited by the submitters: PubMed 25626711.

NM_000152.5(GAA):c.104T>C (p.Phe35Ser)

Gene: GAA (alpha glucosidase; plus strand). Cytogenetic location: 17q25.3.
Variant type: single nucleotide variant.
Coding change: c.104T>C on transcript NM_000152.5 (MANE Select); coding-DNA position 104, T replaced by C.
Protein change: p.Phe35Ser; replaces phenylalanine 35 with serine.
Molecular consequence: missense variant.
Genome position (GRCh38, 1-based): chr17:80,104,690, T>C. VCF-style: chr17-80104690-T-C. GRCh37 (hg19) VCF-style: chr17-78078489-T-C.
Other names: c.104T>C, p.Phe35Ser (NM_001079803.3, NM_001079804.3, NM_001406741.1 and 1 more transcripts); short protein forms F35S.
Identifiers: ClinVar variation 4876492 (VCV004876492.1).